The following is an entry in ClinVar:

ClinVar aggregate classification (germline): Likely benign. Review status: criteria provided, multiple submitters, no conflicts (2 of 4 stars). 3 submissions from 3 submitters: Likely benign (2). 1 of the submissions does not count toward it. Last evaluated 2024-11-14.

Conditions:
IFT27-related disorder. Also called: IFT27-related condition.

Allele frequency attached by ClinVar (database versions not stated): gnomAD exomes 0.00002; ExAC 0.00003; gnomAD 0.00004 and 0.00005; TOPMed 0.00004.

Submissions (3):

Labcorp Genetics (formerly Invitae), Labcorp
Classification: Likely benign. Last evaluated: 2024-11-14. Review status: criteria provided, single submitter. Criteria: Invitae Variant Classification Sherloc (09022015). Collection method: clinical testing. Allele origin: germline.

Blueprint Genetics
Classification: Likely benign. Last evaluated: 2021-08-25. Review status: criteria provided, single submitter. Criteria: ACMG Guidelines, 2015. Collection method: clinical testing. Allele origin: germline.

PreventionGenetics, part of Exact Sciences
Classification: Likely benign for IFT27-related condition. Last evaluated: 2022-12-22. Review status: no assertion criteria provided. Collection method: clinical testing. Allele origin: germline. Not counted in ClinVar's aggregate classification.
Comment: This variant is classified as likely benign based on ACMG/AMP sequence variant interpretation guidelines (Richards et al. 2015 PMID: 25741868, with internal and published modifications).

NM_001177701.3(IFT27):c.459C>T (p.Ser153=)

Genes: CACNG2-DT (CACNG2 divergent transcript; plus strand), IFT27 (intraflagellar transport 27; minus strand). Cytogenetic location: 22q12.3.
Variant type: single nucleotide variant.
Coding change: c.459C>T on transcript NM_001177701.3 (MANE Select); coding-DNA position 459, C replaced by T.
Protein change: p.Ser153=; no amino-acid change (serine 153 retained).
Molecular consequence: synonymous variant.
Genome position (GRCh38, 1-based): chr22:36,762,907, G>A on the plus strand (C>T on the coding strand, the complement: IFT27 is on the minus strand). VCF-style: chr22-36762907-G-A. GRCh37 (hg19) VCF-style: chr22-37158951-G-A.
Other names: c.459C>T, p.Ser153= (NM_001363003.2); c.456C>T, p.Ser152= (NM_006860.5); c.456C>T (NM_006860.4).
Identifiers: ClinVar variation 1077746 (VCV001077746.12), dbSNP rs745713301, ClinGen allele CA10212340.
Genomic context (GRCh38, chr22:36,762,907, plus strand): 5'-CCGCTGCCAGCAGAGGCCCACTCCAGACTTGGCGACGAGGCAAGTGGAAATACTCACCAC[G>A]GATGTTTCAAAACATTCCAGGCCCTGGCCCAGCGCCCATGCCCGGGCCTCAGCTGAGTCC-3'
Protein context (NP_001171172.1, residues 143-163): LGQGLECFET[Ser153=]VKEMENFEAP